The following is an entry in ClinVar:

NM_007194.4(CHEK2):c.109_119del (p.Gly37fs)

Gene: CHEK2 (checkpoint kinase 2; minus strand). Cytogenetic location: 22q12.1.
Variant type: Deletion.
Coding change: c.109_119del on transcript NM_007194.4 (MANE Select); coding-DNA positions 109 to 119, 11 bases deleted (GGCATATCCAG).
Protein change: p.Gly37fs; shifts the reading frame from glycine 37.
Molecular consequence: frameshift variant.
Genome position (GRCh38, 1-based): chr22:28,734,603-28,734,613, CTGGATATGCC deleted on the plus strand (GGCATATCCAG on the coding strand, the reverse complement: CHEK2 is on the minus strand); deleting any 11 consecutive bases within chr22:28,734,603-28,734,617 gives the same sequence; the c. name uses the placement nearest the transcript's 3' end. VCF-style (leftmost placement, unchanged base first): chr22-28734602-GCTGGATATGCC-G. GRCh37 (hg19) VCF-style: chr22-29130590-GCTGGATATGCC-G.
Other names: c.105_115delCCAGGGCATAT, p.Gly37Leufs (NM_001005735.3, NM_001349956.3, NM_145862.3); c.-673_-663delCCAGGGCATAT (NM_001257387.3); short protein forms G37fs.
Identifiers: ClinVar variation 460779 (VCV000460779.7), dbSNP rs1555932583, ClinGen allele CA658656856.
Genomic context (GRCh38, chr22:28,734,602, plus strand): 5'-CAGTGTCCCAGAGCTGGAGTGAGAGGACTGGCTGGAGTTTGGCATCGTGCTGGTAGAGGA[GCTGGATATGCC>G]CTGGGACTGTGAGGAGGAGCCTTGGGACTGGGTAACGCTGCCATGGGGCTGTGAACAGGC-3'

ClinVar aggregate classification (germline): Pathogenic (1 of 4 stars; one submission).

Conditions:
Familial cancer of breast. Also called: BREAST CANCER, FAMILIAL; hereditary breast carcinoma; Hereditary breast cancer. Identifiers: Orphanet 227535, MedGen C0346153, MONDO:0016419, OMIM 114480. Disease mechanism: loss of function.

Submission:

Labcorp Genetics (formerly Invitae), Labcorp
Classification: Pathogenic for Familial cancer of breast. Last evaluated: 2024-11-20. Review status: criteria provided, single submitter. Criteria: Invitae Variant Classification Sherloc (09022015). Collection method: clinical testing. Allele origin: germline.
Comment: This sequence change creates a premature translational stop signal (p.Gly37Leufs*36) in the CHEK2 gene. It is expected to result in an absent or disrupted protein product. Loss-of-function variants in CHEK2 are known to be pathogenic (PMID: 21876083, 24713400). This variant is not present in population databases (gnomAD no frequency). This variant has not been reported in the literature in individuals affected with CHEK2-related conditions. ClinVar contains an entry for this variant (Variation ID: 460779). For these reasons, this variant has been classified as Pathogenic.

Literature cited by the submitters: PubMed 21876083; PubMed 24713400.